The following is an entry in ClinVar:

NM_014159.7(SETD2):c.4492C>T (p.Gln1498Ter)

Gene: SETD2 (SET domain containing 2, histone lysine methyltransferase; minus strand). Cytogenetic location: 3p21.31.
Variant type: single nucleotide variant.
Coding change: c.4492C>T on transcript NM_014159.7 (MANE Select); coding-DNA position 4492, C replaced by T.
Protein change: p.Gln1498Ter; replaces glutamine 1498 with a stop codon.
Molecular consequence: nonsense. On other transcripts: non-coding transcript variant (1).
Genome position (GRCh38, 1-based): chr3:47,116,717, G>A on the plus strand (C>T on the coding strand, the complement: SETD2 is on the minus strand). VCF-style: chr3-47116717-G-A. GRCh37 (hg19) VCF-style: chr3-47158207-G-A.
Other names: c.4360C>T, p.Gln1454Ter (NM_001349370.3); short protein forms Q1454*, Q1498*.
Identifiers: ClinVar variation 4873609 (VCV004873609.2).
Genomic context (GRCh38, chr3:47,116,717, plus strand): 5'-CCCCACATGCTATTTCACCTTGAGCTCTTTCATCTTTAGAAAGAGGTGTACACTCACACT[G>A]CATTCGCTTAATATCTCGATGAGATTTATTCTTCTTTCTATTGGGTAAAATTTCATAAAA-3'

ClinVar aggregate classification (germline): Likely pathogenic (1 of 4 stars; one submission).

Submission:

CeGaT Center for Human Genetics Tuebingen
Classification: Likely pathogenic. Last evaluated: 2026-05-01. Review status: criteria provided, single submitter. Criteria: CeGaT Center For Human Genetics Tuebingen Variant Classification Criteria Version 2. Collection method: clinical testing. Allele origin: germline. Affected: yes. Observed: 3 variant alleles.
Comment: SETD2: PVS1:Strong, PM2